The following is an entry in ClinVar:

ClinVar aggregate classification (germline): Uncertain significance (1 of 4 stars; one submission).

Conditions:
Arrhythmogenic right ventricular dysplasia 10. Also called: Arrhythmogenic Right Ventricular Dysplasia/Cardiomyopathy10; ARRHYTHMOGENIC RIGHT VENTRICULAR DYSPLASIA, FAMILIAL, 10; Arrhythmogenic right ventricular dysplasia/cardiomyopathy, type 10. Identifiers: MedGen C1857777, MONDO:0012434, OMIM 610193.

Allele frequency attached by ClinVar (database versions not stated): gnomAD 0.00001.
gnomAD v4.1: 2 of 1,614,086 alleles (0.00012%); highest among the groups gnomAD compares: African/African-American, 0.0027%; no homozygotes.

Submission:

Labcorp Genetics (formerly Invitae), Labcorp
Classification: Uncertain significance for Arrhythmogenic right ventricular dysplasia 10. Last evaluated: 2023-09-10. Review status: criteria provided, single submitter. Criteria: Invitae Variant Classification Sherloc (09022015). Collection method: clinical testing. Allele origin: germline.
Comment: ClinVar contains an entry for this variant (Variation ID: 1052617). Advanced modeling of protein sequence and biophysical properties (such as structural, functional, and spatial information, amino acid conservation, physicochemical variation, residue mobility, and thermodynamic stability) performed at Invitae indicates that this missense variant is not expected to disrupt DSG2 protein function. In summary, the available evidence is currently insufficient to determine the role of this variant in disease. Therefore, it has been classified as a Variant of Uncertain Significance. This variant has not been reported in the literature in individuals affected with DSG2-related conditions. This variant is present in population databases (no rsID available, gnomAD 0.01%). This sequence change replaces glutamine, which is neutral and polar, with arginine, which is basic and polar, at codon 918 of the DSG2 protein (p.Gln918Arg).

NM_001943.5(DSG2):c.2753A>G (p.Gln918Arg)

Genes: DSG2 (desmoglein 2; plus strand), DSG2-AS1 (DSG2 antisense RNA 1; minus strand). Cytogenetic location: 18q12.1.
Variant type: single nucleotide variant.
Coding change: c.2753A>G on transcript NM_001943.5 (MANE Select); coding-DNA position 2753, A replaced by G.
Protein change: p.Gln918Arg; replaces glutamine 918 with arginine.
Molecular consequence: missense variant.
Genome position (GRCh38, 1-based): chr18:31,546,139, A>G. VCF-style: chr18-31546139-A-G. GRCh37 (hg19) VCF-style: chr18-29126102-A-G.
Other names: short protein forms Q918R.
Identifiers: ClinVar variation 1052617 (VCV001052617.9), dbSNP rs1367277603, ClinGen allele CA402146613.